The following is an entry in ClinVar:

NM_000170.3(GLDC):c.1229_1233del (p.Arg410fs)

Gene: GLDC (glycine decarboxylase; minus strand). Cytogenetic location: 9p24.1.
Variant type: Deletion.
Coding change: c.1229_1233del on transcript NM_000170.3 (MANE Select); coding-DNA positions 1229 to 1233, 5 bases deleted (GGGTA; older notation c.1229_1233delGGGTA).
Protein change: p.Arg410fs; shifts the reading frame from arginine 410.
Molecular consequence: frameshift variant.
Genome position (GRCh38, 1-based): chr9:6,595,042-6,595,046, TACCC deleted on the plus strand (GGGTA on the coding strand, the reverse complement: GLDC is on the minus strand); deleting any 5 consecutive bases within chr9:6,595,042-6,595,047 gives the same sequence; the c. name uses the placement nearest the transcript's 3' end. VCF-style (leftmost placement, unchanged base first): chr9-6595041-GTACCC-G. GRCh37 (hg19) VCF-style: chr9-6595041-GTACCC-G.
Other names: short protein forms R410fs.
Identifiers: ClinVar variation 5012754 (VCV005012754.1).
Genomic context (GRCh38, chr9:6,595,041, plus strand): 5'-TGCCCAAATGTTTTAGACAGATTACCAACTCACCTTCTGACAAAATCAAAGTGGCATTAT[GTACCC>G]TCCTAGCAATATGCTCCAGCCCATGGGAACCATGGTAGATTGCAAACATGGCAGCCATAT-3'

ClinVar aggregate classification (germline): Pathogenic (1 of 4 stars; one submission).

Conditions:
Glycine encephalopathy 1 (GCE1). Identifiers: MedGen CN376801, MONDO:0958179, OMIM 605899.

Submission:

Myriad Genetics, Inc.
Classification: Pathogenic for Glycine encephalopathy 1. Last evaluated: 2024-02-18. Review status: criteria provided, single submitter. Criteria: Myriad Autosomal Dominant, Autosomal Recessive and X-Linked Classification Criteria (2023). Collection method: clinical testing. Allele origin: unknown.
Comment: NM_000170.2(GLDC):c.1229_1233del5(R410Tfs*2) is expected to be pathogenic in the context of glycine encephalopathy, GLDC-related. This variant is predicted to lead to an abnormal or absent protein product due to the creation of a premature termination codon in GLDC, a gene where loss-of-function variants are known to be pathogenic. Please note: this variant was assessed in the context of healthy population screening.